The following is an entry in ClinVar:

NM_000094.4(COL7A1):c.2760C>A (p.His920Gln)

Gene: COL7A1 (collagen type VII alpha 1 chain; minus strand). Cytogenetic location: 3p21.31.
Variant type: single nucleotide variant.
Coding change: c.2760C>A on transcript NM_000094.4 (MANE Select); coding-DNA position 2760, C replaced by A.
Protein change: p.His920Gln; replaces histidine 920 with glutamine.
Molecular consequence: missense variant.
Genome position (GRCh38, 1-based): chr3:48,587,890, G>T on the plus strand (C>A on the coding strand, the complement: COL7A1 is on the minus strand). VCF-style: chr3-48587890-G-T. GRCh37 (hg19) VCF-style: chr3-48625323-G-T.
Other names: short protein forms H920Q.
Identifiers: ClinVar variation 3672117 (VCV003672117.2).

ClinVar aggregate classification (germline): Uncertain significance (1 of 4 stars; one submission).

Submission:

Labcorp Genetics (formerly Invitae), Labcorp
Classification: Uncertain significance. Last evaluated: 2024-10-16. Review status: criteria provided, single submitter. Criteria: Invitae Variant Classification Sherloc (09022015). Collection method: clinical testing. Allele origin: germline.
Comment: This sequence change replaces histidine, which is basic and polar, with glutamine, which is neutral and polar, at codon 920 of the COL7A1 protein (p.His920Gln). This variant is not present in population databases (gnomAD no frequency). This variant has not been reported in the literature in individuals affected with COL7A1-related conditions. Invitae Evidence Modeling of protein sequence and biophysical properties (such as structural, functional, and spatial information, amino acid conservation, physicochemical variation, residue mobility, and thermodynamic stability) indicates that this missense variant is not expected to disrupt COL7A1 protein function with a negative predictive value of 95%. In summary, the available evidence is currently insufficient to determine the role of this variant in disease. Therefore, it has been classified as a Variant of Uncertain Significance.